The following is an entry in ClinVar:

ClinVar aggregate classification (germline): Uncertain significance. Review status: criteria provided, multiple submitters, no conflicts (2 of 4 stars). 3 submissions from 3 submitters: Uncertain significance (3). Last evaluated 2022-08-16.

Conditions:
Emery-Dreifuss muscular dystrophy 4, autosomal dominant (EDMD4). Also called: EMERY-DREIFUSS MUSCULAR DYSTROPHY 4 WITH VARIABLE FEATURES. Identifiers: Orphanet 261, MedGen C2751807, MONDO:0013071, OMIM 612998.
Autosomal recessive ataxia, Beauce type. Also called: Spinocerebellar ataxia, autosomal recessive 8; ATAXIA, RECESSIVE, OF BEAUCE; SYNE1 Deficiency; SYNE1-Related Autosomal Recessive Cerebellar Ataxia. Identifiers: Orphanet 88644, MedGen C1853116, MONDO:0012549, OMIM 610743.

Allele frequency attached by ClinVar (database versions not stated): gnomAD exomes below 0.00001; ExAC 0.00002; TOPMed 0.00005; gnomAD 0.00006; 1000 Genomes Project 30x 0.00016; 1000 Genomes Project 0.00020.
gnomAD v4.1: 17 of 1,614,182 alleles (0.0011%); highest among the groups gnomAD compares: African/African-American, 0.021%; no homozygotes.

Submissions (3):

Labcorp Genetics (formerly Invitae), Labcorp
Classification: Uncertain significance for Emery-Dreifuss muscular dystrophy 4, autosomal dominant; Autosomal recessive ataxia, Beauce type. Last evaluated: 2022-08-16. Review status: criteria provided, single submitter. Criteria: Invitae Variant Classification Sherloc (09022015). Collection method: clinical testing. Allele origin: germline.
Comment: This variant has not been reported in the literature in individuals affected with SYNE1-related conditions. In summary, the available evidence is currently insufficient to determine the role of this variant in disease. Therefore, it has been classified as a Variant of Uncertain Significance. Algorithms developed to predict the effect of missense changes on protein structure and function (SIFT, PolyPhen-2, Align-GVGD) all suggest that this variant is likely to be disruptive. ClinVar contains an entry for this variant (Variation ID: 1519535). This variant is present in population databases (rs149081144, gnomAD 0.008%). This sequence change replaces aspartic acid, which is acidic and polar, with alanine, which is neutral and non-polar, at codon 4473 of the SYNE1 protein (p.Asp4473Ala).

Athena Diagnostics
Classification: Uncertain significance. Last evaluated: 2022-02-17. Review status: criteria provided, single submitter. Criteria: Athena Diagnostics Criteria. Collection method: clinical testing. Allele origin: unknown.

Revvity Omics, Revvity
Classification: Uncertain significance. Last evaluated: 2019-05-01. Review status: criteria provided, single submitter. Criteria: ACMG Guidelines, 2015. Collection method: clinical testing. Allele origin: germline.

NM_182961.4(SYNE1):c.13631A>C (p.Asp4544Ala)

Gene: SYNE1 (spectrin repeat containing nuclear envelope protein 1; minus strand). Cytogenetic location: 6q25.2.
Variant type: single nucleotide variant.
Coding change: c.13631A>C on transcript NM_182961.4 (MANE Select); coding-DNA position 13631, A replaced by C.
Protein change: p.Asp4544Ala; replaces aspartic acid 4544 with alanine.
Molecular consequence: missense variant.
Genome position (GRCh38, 1-based): chr6:152,331,054, T>G on the plus strand (A>C on the coding strand, the complement: SYNE1 is on the minus strand). VCF-style: chr6-152331054-T-G. GRCh37 (hg19) VCF-style: chr6-152652189-T-G.
Other names: c.13418A>C (NM_033071.3); c.13418A>C, p.Asp4473Ala (NM_033071.5); short protein forms D4544A, D4473A.
Identifiers: ClinVar variation 1519535 (VCV001519535.9), dbSNP rs149081144, ClinGen allele CA4056146.